The following is an entry in ClinVar:

ClinVar aggregate classification (germline): Uncertain significance (1 of 4 stars; one submission).

Submission:

GeneDx
Classification: Uncertain significance. Last evaluated: 2021-11-04. Review status: criteria provided, single submitter. Criteria: GeneDx Variant Classification Process June 2021. Collection method: clinical testing. Allele origin: germline. Affected: yes.
Comment: Not observed at significant frequency in large population cohorts (gnomAD); In silico analysis supports that this missense variant has a deleterious effect on protein structure/function; Has not been previously published as pathogenic or benign to our knowledge

NM_013335.4(GMPPA):c.874A>C (p.Thr292Pro)

Genes: ASIC4-AS1 (ASIC4 antisense RNA 1; minus strand), GMPPA (GDP-mannose pyrophosphorylase A; plus strand). Cytogenetic location: 2q35.
Variant type: single nucleotide variant.
Coding change: c.874A>C on transcript NM_013335.4 (MANE Select); coding-DNA position 874, A replaced by C.
Protein change: p.Thr292Pro; replaces threonine 292 with proline.
Molecular consequence: missense variant.
Genome position (GRCh38, 1-based): chr2:219,505,735, A>C. VCF-style: chr2-219505735-A-C. GRCh37 (hg19) VCF-style: chr2-220370457-A-C.
Other names: c.874A>C, p.Thr292Pro (NM_001374294.1, NM_001374295.1, NM_205847.3); short protein forms T292P.
Identifiers: ClinVar variation 1684137 (VCV001684137.2), dbSNP rs2125641417, ClinGen allele CA350737227.